The following is an entry in ClinVar:

NM_001447.3(FAT2):c.11695T>C (p.Leu3899=)

Genes: FAT2 (FAT atypical cadherin 2; minus strand), SLC36A1 (solute carrier family 36 member 1; plus strand). Cytogenetic location: 5q33.1.
Variant type: single nucleotide variant.
Coding change: c.11695T>C on transcript NM_001447.3 (MANE Select); coding-DNA position 11695, T replaced by C.
Protein change: p.Leu3899=; no amino-acid change (leucine 3899 retained).
Molecular consequence: synonymous variant.
Genome position (GRCh38, 1-based): chr5:151,512,375, A>G on the plus strand (T>C on the coding strand, the complement: FAT2 is on the minus strand). VCF-style: chr5-151512375-A-G. GRCh37 (hg19) VCF-style: chr5-150891936-A-G.
Identifiers: ClinVar variation 1911276 (VCV001911276.5), dbSNP rs566375545, ClinGen allele CA3519956.

ClinVar aggregate classification (germline): Uncertain significance (1 of 4 stars; one submission).

Allele frequency attached by ClinVar (database versions not stated): gnomAD 0.00002; gnomAD exomes 0.00003; ExAC 0.00010; 1000 Genomes Project 30x 0.00016; 1000 Genomes Project 0.00020.
gnomAD v4.1: 44 of 1,614,224 alleles (0.0027%); highest among the groups gnomAD compares: South Asian, 0.047%; no homozygotes.

Submission:

Labcorp Genetics (formerly Invitae), Labcorp
Classification: Uncertain significance. Last evaluated: 2022-04-03. Review status: criteria provided, single submitter. Criteria: Invitae Variant Classification Sherloc (09022015). Collection method: clinical testing. Allele origin: germline.
Comment: This sequence change affects codon 3899 of the FAT2 mRNA. It is a 'silent' change, meaning that it does not change the encoded amino acid sequence of the FAT2 protein. In summary, the available evidence is currently insufficient to determine the role of this variant in disease. Therefore, it has been classified as a Variant of Uncertain Significance. Algorithms developed to predict the effect of sequence changes on RNA splicing suggest that this variant may disrupt the consensus splice site. This variant has not been reported in the literature in individuals affected with FAT2-related conditions. This variant is present in population databases (rs566375545, gnomAD 0.05%).